The following is an entry in ClinVar:

ClinVar aggregate classification (germline): Uncertain significance (1 of 4 stars; one submission).

Conditions:
Inborn genetic diseases. Identifiers: MedGen C0950123, MeSH D030342.

Submission:

Ambry Genetics
Classification: Uncertain significance for Inborn genetic diseases. Last evaluated: 2026-03-19. Review status: criteria provided, single submitter. Criteria: Ambry Variant Classification Scheme 2023. Collection method: clinical testing. Allele origin: germline.
Comment: The p.P434A variant (also known as c.1300C>G), located in coding exon 5 of the MBD4 gene, results from a C to G substitution at nucleotide position 1300. The proline at codon 434 is replaced by alanine, an amino acid with highly similar properties. This amino acid position is conserved. In addition, this alteration is predicted to be deleterious by in silico analysis. Based on the available evidence, the clinical significance of this variant remains unclear.

NM_001276270.2(MBD4):c.1300C>G (p.Pro434Ala)

Gene: MBD4 (methyl-CpG binding domain 4, DNA glycosylase; minus strand). Cytogenetic location: 3q21.3.
Variant type: single nucleotide variant.
Coding change: c.1300C>G on transcript NM_001276270.2 (MANE Select); coding-DNA position 1300, C replaced by G.
Protein change: p.Pro434Ala; replaces proline 434 with alanine.
Molecular consequence: missense variant.
Genome position (GRCh38, 1-based): chr3:129,433,943, G>C on the plus strand (C>G on the coding strand, the complement: MBD4 is on the minus strand). VCF-style: chr3-129433943-G-C. GRCh37 (hg19) VCF-style: chr3-129152786-G-C.
Other names: c.1318C>G, p.Pro440Ala (NM_001276271.2, NM_001276272.2, NM_003925.3); c.364C>G, p.Pro122Ala (NM_001276273.2); short protein forms P122A, P434A, P440A.
Identifiers: ClinVar variation 4859560 (VCV004859560.1).